The following is an entry in ClinVar:

ClinVar aggregate classification (germline): Benign. Review status: criteria provided, multiple submitters, no conflicts (2 of 4 stars). 3 submissions from 3 submitters: Benign (3). Last evaluated 2025-09-22.

Allele frequency attached by ClinVar (database versions not stated): 1000 Genomes Project 0.00459; gnomAD exomes 0.00948 and 0.00841; gnomAD 0.00697 and 0.00700; ESP Exome Variant Server 0.00761; ExAC 0.00935; 1000 Genomes Project 30x 0.00468; TOPMed 0.00858.
gnomAD v4.1: 13,418 of 1,614,034 alleles (0.83%); highest among the groups gnomAD compares: Admixed American, 1.8%; 73 homozygotes.

Submissions (3):

Mayo Clinic Laboratories, Mayo Clinic
Classification: Benign. Last evaluated: 2025-09-22. Review status: criteria provided, single submitter. Criteria: ACMG Guidelines, 2015. Collection method: clinical testing. Allele origin: germline. Observed: 12 variant alleles.
Comment: BS1, BS2, BP4, BP7

Labcorp Genetics (formerly Invitae), Labcorp
Classification: Benign. Last evaluated: 2019-12-31. Review status: criteria provided, single submitter. Criteria: Invitae Variant Classification Sherloc (09022015). Collection method: clinical testing. Allele origin: germline.

Breakthrough Genomics
Classification: Benign. Review status: criteria provided, single submitter. Criteria: ACMG Guidelines, 2015. Collection method: not provided. Allele origin: germline. Inheritance: Autosomal recessive inheritance. Affected: yes.

NM_000799.4(EPO):c.453G>A (p.Ala151=)

Gene: EPO (erythropoietin; plus strand). Cytogenetic location: 7q22.1.
Variant type: single nucleotide variant.
Coding change: c.453G>A on transcript NM_000799.4 (MANE Select); coding-DNA position 453, G replaced by A.
Protein change: p.Ala151=; no amino-acid change (alanine 151 retained).
Molecular consequence: synonymous variant.
Genome position (GRCh38, 1-based): chr7:100,723,004, G>A. VCF-style: chr7-100723004-G-A. GRCh37 (hg19) VCF-style: chr7-100320627-G-A.
Other names: p.Ala151=.
Identifiers: ClinVar variation 783005 (VCV000783005.6), dbSNP rs78925197, ClinGen allele CA4389571.